The following is an entry in ClinVar:

NM_001098426.2(SMARCD2):c.1123A>T (p.Met375Leu)

Gene: SMARCD2 (SWI/SNF related BAF chromatin remodeling complex subunit D2; minus strand). Cytogenetic location: 17q23.3.
Variant type: single nucleotide variant.
Coding change: c.1123A>T on transcript NM_001098426.2 (MANE Select); coding-DNA position 1123, A replaced by T.
Protein change: p.Met375Leu; replaces methionine 375 with leucine.
Molecular consequence: missense variant.
Genome position (GRCh38, 1-based): chr17:63,833,967, T>A on the plus strand (A>T on the coding strand, the complement: SMARCD2 is on the minus strand). VCF-style: chr17-63833967-T-A. GRCh37 (hg19) VCF-style: chr17-61911327-T-A.
Other names: c.898A>T, p.Met300Leu (NM_001330439.1); c.979A>T, p.Met327Leu (NM_001330440.2); short protein forms M300L, M327L, M375L.
Identifiers: ClinVar variation 1061887 (VCV001061887.9), dbSNP rs374021226, ClinGen allele CA400599398.

ClinVar aggregate classification (germline): Uncertain significance (1 of 4 stars; one submission).

Submission:

Labcorp Genetics (formerly Invitae), Labcorp
Classification: Uncertain significance. Last evaluated: 2021-03-08. Review status: criteria provided, single submitter. Criteria: Invitae Variant Classification Sherloc (09022015). Collection method: clinical testing. Allele origin: germline.
Comment: This sequence change replaces methionine with leucine at codon 375 of the SMARCD2 protein (p.Met375Leu). The methionine residue is moderately conserved and there is a small physicochemical difference between methionine and leucine. This variant is not present in population databases (ExAC no frequency). This variant has not been reported in the literature in individuals with SMARCD2-related conditions. Algorithms developed to predict the effect of missense changes on protein structure and function are either unavailable or do not agree on the potential impact of this missense change (SIFT: "Tolerated"; PolyPhen-2: "Possibly Damaging"; Align-GVGD: "Class C0"). In summary, the available evidence is currently insufficient to determine the role of this variant in disease. Therefore, it has been classified as a Variant of Uncertain Significance.